The following is an entry in ClinVar:

ClinVar aggregate classification (germline): Uncertain significance (1 of 4 stars; one submission).

Conditions:
Epidermolysis bullosa simplex with nail dystrophy (EBS5D). Identifiers: MedGen C4225309, MONDO:0014661, OMIM 616487.
Epidermolysis bullosa simplex, Ogna type (EBS5A). Also called: Pidermolysis bullosa simplex 5A, Ogna type; EPIDERMOLYSIS BULLOSA SIMPLEX 5A, OGNA TYPE. Identifiers: Orphanet 79401, MedGen C0432317, MONDO:0007555, OMIM 131950.
Autosomal recessive limb-girdle muscular dystrophy type 2Q (LGMDR17). Also called: MUSCULAR DYSTROPHY, LIMB-GIRDLE, AUTOSOMAL RECESSIVE 17. Identifiers: Orphanet 254361, MedGen C3150989, MONDO:0013390, OMIM 613723.
Epidermolysis bullosa simplex 5B, with muscular dystrophy (EBS5B). Also called: EPIDERMOLYSIS BULLOSA SIMPLEX AND LIMB-GIRDLE MUSCULAR DYSTROPHY; Epidermolysis bullosa simplex with muscular dystrophy. Identifiers: Orphanet 257, MedGen C2931072, MONDO:0009181, OMIM 226670.
Epidermolysis bullosa simplex 5C, with pyloric atresia (EBS5C). Also called: PLEC-Related Epidermolysis Bullosa with Pyloric Atresia; Epidermolysis bullosa simplex with pyloric atresia; PLEC1-Related Epidermolysis Bullosa with Pyloric Atresia. Identifiers: Orphanet 158684, MedGen C2677349, MONDO:0012807, OMIM 612138.

gnomAD v4.1: 1 of 1,599,218 alleles (0.000063%); highest among the groups gnomAD compares: Non-Finnish European, 0.000085%; no homozygotes.

Submission:

Labcorp Genetics (formerly Invitae), Labcorp
Classification: Uncertain significance for Autosomal recessive limb-girdle muscular dystrophy type 2Q; Epidermolysis bullosa simplex, Ogna type; Epidermolysis bullosa simplex with nail dystrophy; Epidermolysis bullosa simplex 5C, with pyloric atresia; Epidermolysis bullosa simplex 5B, with muscular dystrophy. Last evaluated: 2025-04-18. Review status: criteria provided, single submitter. Criteria: Invitae Variant Classification Sherloc (09022015). Collection method: clinical testing. Allele origin: germline.
Comment: This sequence change replaces arginine, which is basic and polar, with leucine, which is neutral and non-polar, at codon 950 of the PLEC protein (p.Arg950Leu). This variant is not present in population databases (gnomAD no frequency). This variant has not been reported in the literature in individuals affected with PLEC-related conditions. ClinVar contains an entry for this variant (Variation ID: 2947957). Invitae Evidence Modeling of protein sequence and biophysical properties (such as structural, functional, and spatial information, amino acid conservation, physicochemical variation, residue mobility, and thermodynamic stability) indicates that this missense variant is not expected to disrupt PLEC protein function with a negative predictive value of 80%. In summary, the available evidence is currently insufficient to determine the role of this variant in disease. Therefore, it has been classified as a Variant of Uncertain Significance.

NM_201384.3(PLEC):c.2768G>T (p.Arg923Leu)

Gene: PLEC (plectin; minus strand). Cytogenetic location: 8q24.3.
Variant type: single nucleotide variant.
Coding change: c.2768G>T on transcript NM_201384.3 (MANE Select); coding-DNA position 2768, G replaced by T.
Protein change: p.Arg923Leu; replaces arginine 923 with leucine.
Molecular consequence: missense variant.
Genome position (GRCh38, 1-based): chr8:143,929,801, C>A on the plus strand (G>T on the coding strand, the complement: PLEC is on the minus strand). VCF-style: chr8-143929801-C-A. GRCh37 (hg19) VCF-style: chr8-145003969-C-A.
Other names: c.2849G>T, p.Arg950Leu (NM_000445.5, NM_001410941.1); c.2726G>T, p.Arg909Leu (NM_201378.4); c.2702G>T, p.Arg901Leu (NM_201379.3); c.3179G>T, p.Arg1060Leu (NM_201380.4); c.2672G>T, p.Arg891Leu (NM_201381.3); c.2768G>T, p.Arg923Leu (NM_201382.4); c.2780G>T, p.Arg927Leu (NM_201383.3); short protein forms R1060L, R891L, R901L, R909L, R923L, R927L, R950L.
Identifiers: ClinVar variation 2947957 (VCV002947957.3), dbSNP rs371122460, ClinGen allele CA372572505.